The following is an entry in ClinVar:

NM_000245.4(MET):c.1146T>C (p.Asn382=)

Gene: MET (MET proto-oncogene, receptor tyrosine kinase; plus strand). Cytogenetic location: 7q31.2.
Variant type: single nucleotide variant.
Coding change: c.1146T>C on transcript NM_000245.4 (MANE Select); coding-DNA position 1146, T replaced by C.
Protein change: p.Asn382=; no amino-acid change (asparagine 382 retained).
Molecular consequence: synonymous variant. On other transcripts: intron variant (1).
Genome position (GRCh38, 1-based): chr7:116,700,230, T>C. VCF-style: chr7-116700230-T-C. GRCh37 (hg19) VCF-style: chr7-116340284-T-C.
Other names: c.1146T>C, p.Asn382= (NM_001127500.3, NM_001324401.3); c.-91+27653T>C (NM_001324402.2).
Identifiers: ClinVar variation 2058114 (VCV002058114.5), dbSNP rs2116606494, ClinGen allele CA457448151.

ClinVar aggregate classification (germline): Benign/Likely benign. Review status: criteria provided, multiple submitters, no conflicts (2 of 4 stars). 2 submissions from 2 submitters: Benign (1); Likely benign (1). Last evaluated 2024-12-05.

Conditions:
Renal cell carcinoma. Identifiers: Orphanet 217071, MedGen C0007134, MeSH D002292, MONDO:0005086, HP:0005584.
Papillary renal cell carcinoma type 1 (RCCP1). Also called: RENAL CELL CARCINOMA, PAPILLARY, 1, SOMATIC; Renal adenocarcinoma; Renal cell carcinoma 1; Renal cell carcinoma, somatic. Identifiers: Orphanet 47044, MedGen C1336839, OMIM 605074, HP:0011797.

Submissions (2):

Labcorp Genetics (formerly Invitae), Labcorp
Classification: Likely benign for Renal cell carcinoma. Last evaluated: 2024-12-05. Review status: criteria provided, single submitter. Criteria: Invitae Variant Classification Sherloc (09022015). Collection method: clinical testing. Allele origin: germline.

Myriad Genetics, Inc.
Classification: Benign for Papillary renal cell carcinoma type 1. Last evaluated: 2024-11-07. Review status: criteria provided, single submitter. Criteria: Myriad Autosomal Dominant, Autosomal Recessive and X-Linked Classification Criteria (2023). Collection method: clinical testing. Allele origin: unknown.
Comment: This variant is considered benign. This variant is a silent/synonymous amino acid change and it is not expected to impact splicing.